The following is an entry in ClinVar:

NM_007294.4(BRCA1):c.1819A>G (p.Lys607Glu)

Gene: BRCA1 (BRCA1 DNA repair associated; minus strand). Cytogenetic location: 17q21.31.
Variant type: single nucleotide variant.
Coding change: c.1819A>G on transcript NM_007294.4 (MANE Select); coding-DNA position 1819, A replaced by G.
Protein change: p.Lys607Glu; replaces lysine 607 with glutamic acid.
Molecular consequence: missense variant. On other transcripts: intron variant (137).
Genome position (GRCh38, 1-based): chr17:43,093,712, T>C on the plus strand (A>G on the coding strand, the complement: BRCA1 is on the minus strand). VCF-style: chr17-43093712-T-C. GRCh37 (hg19) VCF-style: chr17-41245729-T-C.
Other names: c.1609A>G, p.Lys537Glu (NM_001407889.1, NM_001407884.1, NM_001407885.1 and 13 more transcripts); c.1606A>G, p.Lys536Glu (NM_001407894.1, NM_001407895.1, NM_001407896.1 and 9 more transcripts); c.1696A>G, p.Lys566Glu (NM_001407919.1, NM_001407937.1, NM_001407938.1 and 19 more transcripts); c.1555A>G, p.Lys519Glu (NM_001407920.1, NM_001407921.1, NM_001407922.1 and 9 more transcripts); c.1552A>G, p.Lys518Glu (NM_001407934.1, NM_001407936.1, NM_001407930.1 and 2 more transcripts); c.1693A>G, p.Lys565Glu (NM_001407940.1, NM_001407941.1, NM_001407685.1 and 11 more transcripts); c.1678A>G, p.Lys560Glu (NM_001407942.1, NM_007297.4, NM_001407698.1 and 29 more transcripts); c.1486A>G, p.Lys496Glu (NM_001407953.1, NM_001407957.1, NM_001407946.1 and 6 more transcripts); and 40 more; short protein forms K607E, K560E, K519E, K540E, K606E, K480E, K495E, K537E.
Identifiers: ClinVar variation 224430 (VCV000224430.18), dbSNP rs80357220, ClinGen allele CA057535.

ClinVar aggregate classification (germline): Conflicting classifications of pathogenicity. Review status: criteria provided, conflicting classifications (1 of 4 stars). 7 submissions from 7 submitters: Uncertain significance (5); Benign (1); Likely benign (1). Last evaluated 2026-04-10.

Conditions:
Hereditary breast ovarian cancer syndrome. Also called: Breast and ovarian cancer; Hereditary breast and ovarian cancer; Hereditary breast and ovarian cancer syndrome; Hereditary breast and/or ovarian cancer syndrome; BRCA1- and BRCA2-Associated Hereditary Breast and Ovarian Cancer; Hereditary breast and ovarian cancer syndrome (HBOC). Identifiers: Orphanet 145, MedGen C0677776, MeSH D061325, MONDO:0003582. Disease mechanism: loss of function.
Breast-ovarian cancer, familial, susceptibility to, 1 (BROVCA1). Also called: BRCA1 Hereditary Breast and Ovarian Cancer; OVARIAN CANCER, SUSCEPTIBILITY TO. Identifiers: Orphanet 145, MedGen C2676676, MONDO:0011450, OMIM 604370. Disease mechanism: loss of function.
BRCA1-related cancer predisposition. Identifiers: MedGen CN377757, MONDO:0700268.
Hereditary cancer-predisposing syndrome. Also called: Tumor predisposition; Hereditary Cancer Syndrome; Neoplastic Syndromes, Hereditary; Hereditary neoplastic syndrome. Identifiers: Orphanet 140162, MedGen C0027672, MeSH D009386, MONDO:0015356.
Breast neoplasm. Also called: Breast Neoplasms; Neoplasm of the breast; Neoplasm of breast; Breast tumor. Identifiers: MedGen C1458155, MeSH D001943, MONDO:0021100, HP:0100013. Disease mechanism: gain of function.

Allele frequency attached by ClinVar (database versions not stated): gnomAD exomes below 0.00001; ExAC 0.00001; gnomAD 0.00001; TOPMed 0.00001; 1000 Genomes Project 30x 0.00016; 1000 Genomes Project 0.00020.
gnomAD v4.1: 1 of 1,614,126 alleles (0.000062%); highest among the groups gnomAD compares: East Asian, 0.0022%; no homozygotes.

Submissions (7):

Myriad Genetics, Inc.
Classification: Benign for Breast-ovarian cancer, familial, susceptibility to, 1. Last evaluated: 2026-04-10. Review status: criteria provided, single submitter. Criteria: Myriad Autosomal Dominant, Autosomal Recessive and X-Linked Classification Criteria (2023). Collection method: clinical testing. Allele origin: unknown.
Comment: This variant is considered benign. This variant is strongly associated with less severe personal and family histories of cancer, typical for individuals without pathogenic variants in this gene [PMID: 25085752]. This variant been observed in trans with a known pathogenic variant in one or more individuals. Compound heterozygosity for pathogenic variants in this gene is generally assumed to result in embryonic lethality.

Labcorp Genetics (formerly Invitae), Labcorp
Classification: Uncertain significance for Hereditary breast ovarian cancer syndrome. Last evaluated: 2025-02-14. Review status: criteria provided, single submitter. Criteria: Invitae Variant Classification Sherloc (09022015). Collection method: clinical testing. Allele origin: germline.
Comment: This sequence change replaces lysine, which is basic and polar, with glutamic acid, which is acidic and polar, at codon 607 of the BRCA1 protein (p.Lys607Glu). This variant is present in population databases (rs80357220, gnomAD 0.006%). This missense change has been observed in individual(s) with breast cancer, gastric cancer, and/or ovarian cancer (PMID: 27257965, 36627197). ClinVar contains an entry for this variant (Variation ID: 224430). Invitae Evidence Modeling of protein sequence and biophysical properties (such as structural, functional, and spatial information, amino acid conservation, physicochemical variation, residue mobility, and thermodynamic stability) indicates that this missense variant is expected to disrupt BRCA1 protein function with a positive predictive value of 80%. In summary, the available evidence is currently insufficient to determine the role of this variant in disease. Therefore, it has been classified as a Variant of Uncertain Significance.

All of Us Research Program, National Institutes of Health
Classification: Uncertain significance for BRCA1-related cancer predisposition. Last evaluated: 2024-05-30. Review status: criteria provided, single submitter. Criteria: ACMG Guidelines, 2015. Collection method: clinical testing. Allele origin: germline. Inheritance: Autosomal dominant inheritance. Observed: 1 variant allele, 1 heterozygote.
Comment: This missense variant replaces lysine with glutamic acid at codon 607 of the BRCA1 protein. Computational prediction is inconclusive regarding the impact of this variant on protein structure and function (internally defined REVEL score threshold 0.5 < inconclusive < 0.7, PMID: 27666373). Splice site prediction tools suggest that this variant may not impact RNA splicing. To our knowledge, functional studies have not been performed for this variant. This variant has been reported in individuals affected with breast cancer (PMID: 27257965). This variant has also been identified in 1/251010 chromosomes in the general population by the Genome Aggregation Database (gnomAD). The available evidence is insufficient to determine the role of this variant in disease conclusively. Therefore, this variant is classified as a Variant of Uncertain Significance.

This study involves interpretation of variants in research participants for the purpose of population health screening. Participant phenotype was not available at the time of variant classification. Additional details can be found in publication PMID: 35346344, PMCID: PMC8962531

Color Diagnostics, LLC DBA Color Health
Classification: Uncertain significance for Hereditary cancer-predisposing syndrome. Last evaluated: 2024-05-09. Review status: criteria provided, single submitter. Criteria: ACMG Guidelines, 2015. Collection method: clinical testing. Allele origin: germline.
Comment: This missense variant replaces lysine with glutamic acid at codon 607 of the BRCA1 protein. Computational prediction is inconclusive regarding the impact of this variant on protein structure and function. To our knowledge, functional studies have not been reported for this variant. This variant has been reported in two individuals affected with breast cancer (PMID: 27257965) and in a breast cancer case-control meta-analysis in 0/60466 cases and 1/53461 unaffected individuals (PMID: 33471991; Leiden Open Variation Database DB-ID BRCA1_005598). This variant has been identified in 1/251010 chromosomes in the general population by the Genome Aggregation Database (gnomAD). The available evidence is insufficient to determine the role of this variant in disease conclusively. Therefore, this variant is classified as a Variant of Uncertain Significance.

Ambry Genetics
Classification: Uncertain significance for Hereditary cancer-predisposing syndrome. Last evaluated: 2024-05-06. Review status: criteria provided, single submitter. Criteria: Ambry Variant Classification Scheme 2023. Collection method: clinical testing. Allele origin: germline.
Comment: The p.K607E variant (also known as c.1819A>G), located in coding exon 9 of the BRCA1 gene, results from an A to G substitution at nucleotide position 1819. The lysine at codon 607 is replaced by glutamic acid, an amino acid with similar properties. This alteration was identified in 2/507 unselected Chinese breast cancer patients (Zhong X et al. PLoS One, 2016 Jun;11:e0156789). This amino acid position is well conserved in available vertebrate species. In addition, the in silico prediction for this alteration is inconclusive. Since supporting evidence is limited at this time, the clinical significance of this alteration remains unclear.

University of Washington Department of Laboratory Medicine, University of Washington
Classification: Likely benign for Hereditary cancer-predisposing syndrome. Last evaluated: 2023-03-23. Review status: criteria provided, single submitter. Criteria: Dines et al. (Genet Med. 2020). Collection method: curation. Allele origin: germline.
Comment: Missense variant in a coldspot region where missense variants are very unlikely to be pathogenic (PMID:31911673).

BRCA1 coldspot (exon 11 using historical exon numbering). Reclassification based on statistical prior probability

Laboratory of Molecular Diagnosis of Cancer, West China Hospital, Sichuan University
Classification: Uncertain significance for Breast neoplasm. Last evaluated: 2015-11-01. Review status: criteria provided, single submitter. Criteria: ACMG Guidelines, 2015. Collection method: research. Allele origin: germline. Affected: yes. Observed: 2 variant alleles.

Literature cited by the submitters: PubMed 25085752 (cited by Myriad Genetics, Inc.); PubMed 27257965 (cited by 5 submitters); PubMed 36627197 (cited by Labcorp Genetics (formerly Invitae), Labcorp); PubMed 33471991 (cited by Color Diagnostics, LLC DBA Color Health).